The following is an entry in ClinVar:

ClinVar aggregate classification (germline): Uncertain significance. Review status: criteria provided, multiple submitters, no conflicts (2 of 4 stars). 2 submissions from 2 submitters: Uncertain significance (2). Last evaluated 2021-05-11.

Conditions:
Hereditary cancer-predisposing syndrome. Also called: Tumor predisposition; Hereditary neoplastic syndrome; Hereditary Cancer Syndrome; Neoplastic Syndromes, Hereditary. Identifiers: Orphanet 140162, MedGen C0027672, MeSH D009386, MONDO:0015356.

Submissions (2):

Ambry Genetics
Classification: Uncertain significance for Hereditary cancer-predisposing syndrome. Last evaluated: 2021-05-11. Review status: criteria provided, single submitter. Criteria: Ambry Variant Classification Scheme 2023. Collection method: clinical testing. Allele origin: germline.
Comment: The p.E1010K variant (also known as c.3028G>A), located in coding exon 10 of the PALB2 gene, results from a G to A substitution at nucleotide position 3028. The glutamic acid at codon 1010 is replaced by lysine, an amino acid with similar properties. This amino acid position is well conserved in available vertebrate species. In addition, this alteration is predicted to be tolerated by in silico analysis. Since supporting evidence is limited at this time, the clinical significance of this alteration remains unclear.

Color Diagnostics, LLC DBA Color Health
Classification: Uncertain significance for Hereditary cancer-predisposing syndrome. Last evaluated: 2020-10-20. Review status: criteria provided, single submitter. Criteria: ACMG Guidelines, 2015. Collection method: clinical testing. Allele origin: germline.
Comment: This missense variant replaces glutamic acid with lysine at codon 1010 of the PALB2 protein. Computational prediction suggests that this variant may not impact protein structure and function (internally defined REVEL score threshold <= 0.5, PMID: 27666373). To our knowledge, functional studies have not been reported for this variant. This variant has not been reported in individuals affected with hereditary cancer in the literature. This variant has not been identified in the general population by the Genome Aggregation Database (gnomAD). The available evidence is insufficient to determine the role of this variant in disease conclusively. Therefore, this variant is classified as a Variant of Uncertain Significance.

NM_024675.4(PALB2):c.3028G>A (p.Glu1010Lys)

Gene: PALB2 (partner and localizer of BRCA2; minus strand). Cytogenetic location: 16p12.2.
Variant type: single nucleotide variant.
Coding change: c.3028G>A on transcript NM_024675.4 (MANE Select); coding-DNA position 3028, G replaced by A.
Protein change: p.Glu1010Lys; replaces glutamic acid 1010 with lysine.
Molecular consequence: missense variant.
Genome position (GRCh38, 1-based): chr16:23,621,447, C>T on the plus strand (G>A on the coding strand, the complement: PALB2 is on the minus strand). VCF-style: chr16-23621447-C-T. GRCh37 (hg19) VCF-style: chr16-23632768-C-T.
Other names: short protein forms E1010K.
Identifiers: ClinVar variation 1171563 (VCV001171563.4), dbSNP rs1966771907, ClinGen allele CA395143100.